The following is an entry in ClinVar:

NC_000007.14:g.156769062A>C

Genes: LMBR1 (limb development membrane protein 1; minus strand), SHH (sonic hedgehog signaling molecule; minus strand). Cytogenetic location: 7q36.3.
Variant type: single nucleotide variant.
Molecular consequence: intron variant (on NM_022458.4).
Genome position: GRCh38 VCF-style: chr7-156769062-A-C. GRCh37 (hg19) VCF-style: chr7-156561756-A-C.
Other names: c.-33-5267T>G (NM_001350956.2, NM_001350955.2, NM_001363413.2 and 1 more transcripts); c.55-5267T>G (NM_001350957.2, NM_001363411.2); c.361-5267T>G (NM_001363412.2); c.145-5267T>G (NM_001350954.2); c.424-5267T>G (NM_001363410.2, NM_022458.4, NM_001363409.2 and 1 more transcripts).
Identifiers: ClinVar variation 1434318 (VCV001434318.1), dbSNP rs1824685325, ClinGen allele CA2573141897.
Genomic context (GRCh38, chr7:156,769,062, plus strand): 5'-GCTTCTCCTCCTGGGGCCCTATACTGTTTATATTGGGCCAAAGGGAAGGCACAGTCCCTG[A>C]GGCCAAGCTTGCATAGTATGATCATGTAAAACACGAATACCAATTTAATATAGAGTCAGC-3'

ClinVar aggregate classification (germline): Uncertain significance (1 of 4 stars; one submission).

Conditions:
Holoprosencephaly 3 (HPE3). Identifiers: Orphanet 2162, MedGen C1840529, MONDO:0007733, OMIM 142945.

Submission:

Labcorp Genetics (formerly Invitae), Labcorp
Classification: Uncertain significance for Holoprosencephaly 3. Last evaluated: 2021-10-28. Review status: criteria provided, single submitter. Criteria: Invitae Variant Classification Sherloc (09022015). Collection method: clinical testing. Allele origin: germline.
Comment: This variant occurs in a non-coding region of the SHH gene. It does not change the encoded amino acid sequence of the SHH protein. This variant is not present in population databases (gnomAD no frequency). This variant has not been reported in the literature in individuals affected with SHH-related conditions. Experimental studies and prediction algorithms are not available or were not evaluated, and the functional significance of this variant is currently unknown. In summary, the available evidence is currently insufficient to determine the role of this variant in disease. Therefore, it has been classified as a Variant of Uncertain Significance.